The following is an entry in ClinVar:

ClinVar aggregate classification (germline): Benign. Review status: criteria provided, multiple submitters, no conflicts (2 of 4 stars). 3 submissions from 3 submitters: Benign (3). Last evaluated 2023-11-29.

Conditions:
Aortic aneurysm, familial thoracic 7 (AAT7). Also called: AORTIC DISSECTION, FAMILIAL, WITH OR WITHOUT AORTIC ANEURYSM. Identifiers: MedGen C3151077, MONDO:0013418, OMIM 613780.

Allele frequency attached by ClinVar (database versions not stated): 1000 Genomes Project 30x 0.14460; 1000 Genomes Project 0.14597; TOPMed 0.15326; gnomAD exomes 0.18924.
gnomAD v4.1: 51,405 of 290,724 alleles (18%); highest among the groups gnomAD compares: South Asian, 24%; 5,104 homozygotes.

Submissions (3):

ARUP Laboratories, Molecular Genetics and Genomics, ARUP Laboratories
Classification: Benign. Last evaluated: 2023-11-29. Review status: criteria provided, single submitter. Criteria: ARUP Molecular Germline Variant Investigation Process 2024. Collection method: clinical testing. Allele origin: germline.

Illumina Laboratory Services, Illumina
Classification: Benign for Aortic aneurysm, familial thoracic 7. Last evaluated: 2018-01-13. Review status: criteria provided, single submitter. Criteria: ICSL Variant Classification Criteria 13 December 2019. Collection method: clinical testing. Allele origin: germline.
Comment: This variant was observed in the ICSL laboratory as part of a predisposition screen in an ostensibly healthy population. It had not been previously curated by ICSL or reported in the Human Gene Mutation Database (HGMD: prior to June 1st, 2018), and was therefore a candidate for classification through an automated scoring system. Utilizing variant allele frequency, disease prevalence and penetrance estimates, and inheritance mode, an automated score was calculated to assess if this variant is too frequent to cause the disease. Based on the score and internal cut-off values, a variant classified as benign is not then subjected to further curation. The score for this variant resulted in a classification of benign for this disease.

Breakthrough Genomics
Classification: Benign. Review status: criteria provided, single submitter. Criteria: ACMG Guidelines, 2015. Collection method: not provided. Allele origin: germline. Inheritance: Autosomal recessive inheritance. Affected: yes.

NM_053025.4(MYLK):c.-72C>T

Gene: MYLK (myosin light chain kinase; minus strand). Cytogenetic location: 3q21.1.
Variant type: single nucleotide variant.
Coding change: c.-72C>T on transcript NM_053025.4 (MANE Select); 72 bases upstream of the start codon, C replaced by T.
Molecular consequence: 5 prime UTR variant.
Genome position (GRCh38, 1-based): chr3:123,831,616, G>A on the plus strand (C>T on the coding strand, the complement: MYLK is on the minus strand). VCF-style: chr3-123831616-G-A. GRCh37 (hg19) VCF-style: chr3-123550463-G-A.
Other names: c.-392C>T (NM_001321309.2); c.-72C>T (NM_053026.4, NM_053027.4, NM_053028.4).
Identifiers: ClinVar variation 342911 (VCV000342911.18), dbSNP rs2700352, ClinGen allele CA10617021.
Genomic context (GRCh38, chr3:123,831,616, plus strand): 5'-TCTCTGTTGTTTGTTGTGGCAACTGGGCCAGTGGGACAGGAAAGGCGTCCTGAAGCTCTC[G>A]GCTGGGAAGCTCCTGAAGTTGCTCTGAACTGCAGCAGAGGCAGCCGGGAGCCACCTGGGT-3'